The following is an entry in ClinVar:

ClinVar aggregate classification (germline): Uncertain significance (1 of 4 stars; one submission).

Conditions:
Familial adenomatous polyposis 1 (FAP1). Also called: FAMILIAL ADENOMATOUS POLYPOSIS 1, ATTENUATED; POLYPOSIS, ADENOMATOUS INTESTINAL. Identifiers: MedGen C2713442, MONDO:0021056, OMIM 175100. Disease mechanism: loss of function.

gnomAD v4.1: 3 of 1,370,420 alleles (0.00022%); highest among the groups gnomAD compares: African/African-American, 0.0014%; no homozygotes.

Submission:

Labcorp Genetics (formerly Invitae), Labcorp
Classification: Uncertain significance for Familial adenomatous polyposis 1. Last evaluated: 2025-07-08. Review status: criteria provided, single submitter. Criteria: Invitae Variant Classification Sherloc (09022015). Collection method: clinical testing. Allele origin: germline.
Comment: This variant occurs in a non-coding region of the APC gene. It does not change the encoded amino acid sequence of the APC protein. This variant is not present in population databases (gnomAD no frequency). This variant has not been reported in the literature in individuals affected with APC-related conditions. Experimental studies and prediction algorithms are not available or were not evaluated, and the functional significance of this variant is currently unknown. In summary, the available evidence is currently insufficient to determine the role of this variant in disease. Therefore, it has been classified as a Variant of Uncertain Significance.

NM_001127511.3(APC):c.121C>T (p.Pro41Ser)

Gene: APC (APC regulator of Wnt signaling pathway; plus strand). Cytogenetic location: 5q22.2.
Variant type: single nucleotide variant.
Coding change: c.121C>T on transcript NM_001127511.3; coding-DNA position 121, C replaced by T.
Protein change: p.Pro41Ser; replaces proline 41 with serine.
Molecular consequence: missense variant. On other transcripts: 5 prime UTR variant (8), non-coding transcript variant (1), intron variant (5).
Genome position (GRCh38, 1-based): chr5:112,707,838, C>T. VCF-style: chr5-112707838-C-T. GRCh37 (hg19) VCF-style: chr5-112043535-C-T.
Other names: c.-63C>T (NM_001354895.2, NM_001407447.1, NM_001407452.1 and 3 more transcripts); c.121C>T, p.Pro41Ser (NM_001354897.2, NM_001354902.2, NM_001407446.1); c.-1098C>T (NM_001407470.1, NM_001407472.1); c.-19+189C>T (NM_001407448.1, NM_001407450.1, NM_001407457.1 and 1 more transcripts); c.-43+189C>T (NM_001407453.1); short protein forms P41S.
Identifiers: ClinVar variation 3675837 (VCV003675837.2).
Genomic context (GRCh38, chr5:112,707,838, plus strand): 5'-GTTCTCGGGTCCTGGAGCACCGGCGGCAGCAGGAGCTGCGTCCGGCAGGAGACGAAGAGC[C>T]CGGGCGGCGCTCGTACTTCTGGCCACTGGGCGAGCGTCTGGCAGGTGAGTGAGGCTGCAG-3'